The following is an entry in ClinVar:

ClinVar aggregate classification (germline): Uncertain significance (1 of 4 stars; one submission).

Conditions:
Hereditary cancer-predisposing syndrome. Also called: Tumor predisposition; Hereditary Cancer Syndrome; Hereditary neoplastic syndrome; Neoplastic Syndromes, Hereditary. Identifiers: Orphanet 140162, MedGen C0027672, MeSH D009386, MONDO:0015356.

Submission:

Ambry Genetics
Classification: Uncertain significance for Hereditary cancer-predisposing syndrome. Last evaluated: 2024-03-26. Review status: criteria provided, single submitter. Criteria: Ambry Variant Classification Scheme 2023. Collection method: clinical testing. Allele origin: germline.
Comment: The p.Y110H variant (also known as c.328T>C), located in coding exon 4 of the NBN gene, results from a T to C substitution at nucleotide position 328. The tyrosine at codon 110 is replaced by histidine, an amino acid with similar properties. This amino acid position is highly conserved in available vertebrate species. In addition, the in silico prediction for this alteration is inconclusive. Based on the available evidence, the clinical significance of this alteration remains unclear.

NM_002485.5(NBN):c.328T>C (p.Tyr110His)

Gene: NBN (nibrin; minus strand). Cytogenetic location: 8q21.3.
Variant type: single nucleotide variant.
Coding change: c.328T>C on transcript NM_002485.5 (MANE Select); coding-DNA position 328, T replaced by C.
Protein change: p.Tyr110His; replaces tyrosine 110 with histidine.
Molecular consequence: missense variant.
Genome position (GRCh38, 1-based): chr8:89,980,886, A>G on the plus strand (T>C on the coding strand, the complement: NBN is on the minus strand). VCF-style: chr8-89980886-A-G. GRCh37 (hg19) VCF-style: chr8-90993114-A-G.
Other names: c.82T>C, p.Tyr28His (NM_001024688.3); short protein forms Y110H, Y28H.
Identifiers: ClinVar variation 3298625 (VCV003298625.1).